The following is an entry in ClinVar:

NM_001316764.3(C2orf81):c.783A>G (p.Gln261=)

Gene: C2orf81 (chromosome 2 open reading frame 81; minus strand). Cytogenetic location: 2p13.1.
Variant type: single nucleotide variant.
Coding change: c.783A>G on transcript NM_001316764.3 (MANE Select); coding-DNA position 783, A replaced by G.
Protein change: p.Gln261=; no amino-acid change (glutamine 261 retained).
Molecular consequence: synonymous variant.
Genome position (GRCh38, 1-based): chr2:74,415,394, T>C on the plus strand (A>G on the coding strand, the complement: C2orf81 is on the minus strand). VCF-style: chr2-74415394-T-C. GRCh37 (hg19) VCF-style: chr2-74642521-T-C.
Other names: c.702A>G, p.Gln234= (NM_001145054.2); c.636A>G, p.Gln212= (NM_001316765.2); c.498A>G, p.Gln166= (NM_001316766.2).
Identifiers: ClinVar variation 3388473 (VCV003388473.14).

ClinVar aggregate classification (germline): Likely benign (1 of 4 stars; one submission).

gnomAD v4.1: 72 of 1,523,936 alleles (0.0047%); highest among the groups gnomAD compares: South Asian, 0.076%; 2 homozygotes.

Submission:

CeGaT Center for Human Genetics Tuebingen
Classification: Likely benign. Last evaluated: 2024-10-01. Review status: criteria provided, single submitter. Criteria: CeGaT Center For Human Genetics Tuebingen Variant Classification Criteria Version 2. Collection method: clinical testing. Allele origin: germline. Affected: yes. Observed: 1 variant allele.
Comment: C2orf81: BP4, BP7